The following is an entry in ClinVar:

ClinVar aggregate classification (germline): Uncertain significance (1 of 4 stars; one submission).

Conditions:
Inborn genetic diseases. Identifiers: MedGen C0950123, MeSH D030342.

Submission:

Ambry Genetics
Classification: Uncertain significance for Inborn genetic diseases. Last evaluated: 2025-07-28. Review status: criteria provided, single submitter. Criteria: Ambry Variant Classification Scheme 2023. Collection method: clinical testing. Allele origin: germline.
Comment: The p.S120I variant (also known as c.359G>T), located in coding exon 1 of the SH2B3 gene, results from a G to T substitution at nucleotide position 359. The serine at codon 120 is replaced by isoleucine, an amino acid with dissimilar properties. This amino acid position is conserved. In addition, this alteration is predicted to be tolerated by in silico analysis. Based on the available evidence, the clinical significance of this variant remains unclear.

NM_005475.3(SH2B3):c.359G>T (p.Ser120Ile)

Gene: SH2B3 (SH2B adaptor protein 3; plus strand). Cytogenetic location: 12q24.12.
Variant type: single nucleotide variant.
Coding change: c.359G>T on transcript NM_005475.3 (MANE Select); coding-DNA position 359, G replaced by T.
Protein change: p.Ser120Ile; replaces serine 120 with isoleucine.
Molecular consequence: missense variant.
Genome position (GRCh38, 1-based): chr12:111,418,504, G>T. VCF-style: chr12-111418504-G-T. GRCh37 (hg19) VCF-style: chr12-111856308-G-T.
Other names: short protein forms S120I.
Identifiers: ClinVar variation 4163958 (VCV004163958.1).